The following is an entry in ClinVar:

NM_015909.4(NBAS):c.4865C>T (p.Pro1622Leu)

Gene: NBAS (NBAS subunit of NRZ tethering complex; minus strand). Cytogenetic location: 2p24.3.
Variant type: single nucleotide variant.
Coding change: c.4865C>T on transcript NM_015909.4 (MANE Select); coding-DNA position 4865, C replaced by T.
Protein change: p.Pro1622Leu; replaces proline 1622 with leucine.
Molecular consequence: missense variant. On other transcripts: non-coding transcript variant (1).
Genome position (GRCh38, 1-based): chr2:15,292,699, G>A on the plus strand (C>T on the coding strand, the complement: NBAS is on the minus strand). VCF-style: chr2-15292699-G-A. GRCh37 (hg19) VCF-style: chr2-15432823-G-A.
Other names: c.4865C>T (NM_015909.2); short protein forms P1622L.
Identifiers: ClinVar variation 1504634 (VCV001504634.7), dbSNP rs1189180769, ClinGen allele CA345890013.

ClinVar aggregate classification (germline): Uncertain significance. Review status: criteria provided, multiple submitters, no conflicts (2 of 4 stars). 2 submissions from 2 submitters: Uncertain significance (2). Last evaluated 2025-08-26.

Conditions:
Inborn genetic diseases. Identifiers: MedGen C0950123, MeSH D030342.

Allele frequency attached by ClinVar (database versions not stated): gnomAD exomes below 0.00001; gnomAD 0.00001.
gnomAD v4.1: 8 of 1,614,082 alleles (0.0005%); highest among the groups gnomAD compares: Middle Eastern, 0.016%; no homozygotes.

Submissions (2):

Ambry Genetics
Classification: Uncertain significance for Inborn genetic diseases. Last evaluated: 2025-08-26. Review status: criteria provided, single submitter. Criteria: Ambry Variant Classification Scheme 2023. Collection method: clinical testing. Allele origin: germline.

Labcorp Genetics (formerly Invitae), Labcorp
Classification: Uncertain significance. Last evaluated: 2022-08-20. Review status: criteria provided, single submitter. Criteria: Invitae Variant Classification Sherloc (09022015). Collection method: clinical testing. Allele origin: germline.
Comment: This sequence change replaces proline, which is neutral and non-polar, with leucine, which is neutral and non-polar, at codon 1622 of the NBAS protein (p.Pro1622Leu). This variant is present in population databases (no rsID available, gnomAD 0.007%). This variant has not been reported in the literature in individuals affected with NBAS-related conditions. ClinVar contains an entry for this variant (Variation ID: 1504634). Algorithms developed to predict the effect of missense changes on protein structure and function (SIFT, PolyPhen-2, Align-GVGD) all suggest that this variant is likely to be disruptive. In summary, the available evidence is currently insufficient to determine the role of this variant in disease. Therefore, it has been classified as a Variant of Uncertain Significance.